The following is an entry in ClinVar:

ClinVar aggregate classification (germline): Uncertain significance (0 of 4 stars; one submission).

Conditions:
Breast ductal adenocarcinoma. Also called: Ductal breast carcinoma; Breast cancer, invasive ductal. Identifiers: MedGen C1527349, MONDO:0005590.

Submission:

Next Generation Diagnostics, Novartis Institutes for BioMedical Research, Inc.
Classification: Uncertain significance for Breast ductal adenocarcinoma. Last evaluated: 2015-07-20. Review status: no assertion criteria provided. Collection method: research. Allele origin: somatic. Affected: yes.
Comment: Loss of heterozygosity

chr17:45008570..45994044 complex variant

Genes: CDC27 (cell division cycle 27; minus strand), EFCAB13 (EF-hand calcium binding domain 13; plus strand), GOSR2 (golgi SNAP receptor complex member 2; plus strand), ITGB3 (integrin subunit beta 3; plus strand), KPNB1 (karyopherin subunit beta 1; plus strand) and 11 more. Cytogenetic location: 17q21.32.
Variant type: Complex.
Identifiers: ClinVar variation 221347 (VCV000221347.2).